The following is an entry in ClinVar:

ClinVar aggregate classification (germline): Uncertain significance (1 of 4 stars; one submission).

Conditions:
Congenital myasthenic syndrome 3B (CMS3B). Also called: Myasthenic syndrome, congenital, 3B, fast-channel. Identifiers: Orphanet 590, MedGen C4225371, MONDO:0014584, OMIM 616322.

Submission:

MGZ Medical Genetics Center
Classification: Uncertain significance for Congenital myasthenic syndrome 3B. Last evaluated: 2022-07-15. Review status: criteria provided, single submitter. Criteria: ACMG Guidelines, 2015. Collection method: clinical testing. Allele origin: germline. Affected: yes. Observed: 2 variant alleles.
Comment: ACMG criteria applied: PM3, PM2_SUP, PP3

NM_000751.3(CHRND):c.961A>C (p.Thr321Pro)

Gene: CHRND (cholinergic receptor nicotinic delta subunit; plus strand). Cytogenetic location: 2q37.1.
Variant type: single nucleotide variant.
Coding change: c.961A>C on transcript NM_000751.3 (MANE Select); coding-DNA position 961, A replaced by C.
Protein change: p.Thr321Pro; replaces threonine 321 with proline.
Molecular consequence: missense variant.
Genome position (GRCh38, 1-based): chr2:232,531,570, A>C. VCF-style: chr2-232531570-A-C. GRCh37 (hg19) VCF-style: chr2-233396280-A-C.
Other names: c.916A>C, p.Thr306Pro (NM_001256657.2); c.379A>C, p.Thr127Pro (NM_001311195.2); c.658A>C, p.Thr220Pro (NM_001311196.2); short protein forms T127P, T220P, T306P, T321P.
Identifiers: ClinVar variation 1709700 (VCV001709700.2), dbSNP rs2469727678, ClinGen allele CA351003171.